The following is an entry in ClinVar:

ClinVar aggregate classification (germline): Uncertain significance. Review status: criteria provided, multiple submitters, no conflicts (2 of 4 stars). 2 submissions from 2 submitters: Uncertain significance (2). Last evaluated 2026-09-14.

Conditions:
Hereditary cancer-predisposing syndrome. Also called: Tumor predisposition; Hereditary Cancer Syndrome; Hereditary neoplastic syndrome; Neoplastic Syndromes, Hereditary. Identifiers: Orphanet 140162, MedGen C0027672, MeSH D009386, MONDO:0015356.
Chuvash polycythemia. Also called: POLYCYTHEMIA, VHL-DEPENDENT. Identifiers: Orphanet 238557, MedGen C1837915, MONDO:0009892, OMIM 263400.
Von Hippel-Lindau syndrome (VHLS). Also called: Von Hippel-Lindau; von Hippel–Lindau syndrome; VHL syndrome. Identifiers: Orphanet 892, MedGen C0019562, MONDO:0008667, OMIM 193300. Disease mechanism: loss of function.

gnomAD v4.1: 1 of 1,598,464 alleles (0.000063%); highest among the groups gnomAD compares: Non-Finnish European, 0.000085%; no homozygotes.

Submissions (2):

Ambry Genetics
Classification: Uncertain significance for Hereditary cancer-predisposing syndrome. Last evaluated: 2026-09-14. Review status: criteria provided, single submitter. Criteria: Ambry Variant Classification Scheme 2023. Collection method: clinical testing. Allele origin: germline.
Comment: The p.R108L variant (also known as c.323G>T), located in coding exon 1 of the VHL gene, results from a G to T substitution at nucleotide position 323. The arginine at codon 108 is replaced by leucine, an amino acid with dissimilar properties. This variant was determined to be functionally neutral in one saturation genome editing assay (Buckley M et al. Nat Genet, 2024 Jul;56:1446-1455). This amino acid position is well conserved in available vertebrate species. In addition, this alteration is predicted to be deleterious by in silico analysis. Based on the available evidence, the clinical significance of this variant remains unclear.

Labcorp Genetics (formerly Invitae), Labcorp
Classification: Uncertain significance for Von Hippel-Lindau syndrome; Chuvash polycythemia. Last evaluated: 2022-01-07. Review status: criteria provided, single submitter. Criteria: Invitae Variant Classification Sherloc (09022015). Collection method: clinical testing. Allele origin: germline.
Comment: In summary, the available evidence is currently insufficient to determine the role of this variant in disease. Therefore, it has been classified as a Variant of Uncertain Significance. Advanced modeling of protein sequence and biophysical properties (such as structural, functional, and spatial information, amino acid conservation, physicochemical variation, residue mobility, and thermodynamic stability) performed at Invitae indicates that this missense variant is expected to disrupt VHL protein function. This variant has not been reported in the literature in individuals affected with VHL-related conditions. The frequency data for this variant in the population databases is considered unreliable, as metrics indicate poor data quality at this position in the gnomAD database. This sequence change replaces arginine, which is basic and polar, with leucine, which is neutral and non-polar, at codon 108 of the VHL protein (p.Arg108Leu).

Literature cited by the submitters: PubMed 38969834 (cited by Ambry Genetics).

NM_000551.4(VHL):c.323G>T (p.Arg108Leu)

Gene: VHL (von Hippel-Lindau tumor suppressor; plus strand). Cytogenetic location: 3p25.3.
Variant type: single nucleotide variant.
Coding change: c.323G>T on transcript NM_000551.4 (MANE Select); coding-DNA position 323, G replaced by T.
Protein change: p.Arg108Leu; replaces arginine 108 with leucine.
Molecular consequence: missense variant.
Genome position (GRCh38, 1-based): chr3:10,142,170, G>T. VCF-style: chr3-10142170-G-T. GRCh37 (hg19) VCF-style: chr3-10183854-G-T.
Other names: c.323G>T, p.Arg108Leu (NM_001354723.2, NM_198156.3); short protein forms R108L.
Identifiers: ClinVar variation 2054616 (VCV002054616.5), dbSNP rs367594943, ClinGen allele CA040290.
Genomic context (GRCh38, chr3:10,142,170, plus strand): 5'-GGCTCAACTTCGACGGCGAGCCGCAGCCCTACCCAACGCTGCCGCCTGGCACGGGCCGCC[G>T]CATCCACAGCTACCGAGGTACGGGCCCGGCGCTTAGGCCCGACCCAGCAGGGACGATAGC-3'
Protein context (NP_000542.1, residues 98-118): YPTLPPGTGR[Arg108Leu]IHSYRGHLWL